The following continues an entry in ClinVar:

NM_000329.3(RPE65):c.11+5G>A

Gene: RPE65. ClinVar aggregate classification (germline): Pathogenic. Pathogenic (1).

Submissions 8 to 28 of 28:

3billion
Classification: Pathogenic for Leber congenital amaurosis 2. Last evaluated: 2025-02-18. Review status: criteria provided, single submitter. Criteria: ACMG Guidelines, 2015. Collection method: clinical testing. Allele origin: germline. Affected: yes. Not counted in ClinVar's aggregate classification.
Comment: The variant is observed at an extremely low frequency in the gnomAD v4.1.0 dataset (total allele frequency: 0.016%). Predicted Consequence/Location: Intron variant In silico tools predict the variant to alter splicing and produce an abnormal transcript [SpliceAI: 0.58 (>=0.2, moderate evidence for spliceogenicity)]. The variant has been reported to be in trans with a pathogenic variant as either compound heterozygous or homozygous in at least 4 similarly affected unrelated individuals (PMID: 30025081, 35129589). The variant has been reported multiple times as an established pathogenic variant (ClinVar ID: VCV000098825 /PMID: 30025081, 35129589, 9326941). Therefore, this variant is classified as Pathogenic according to the recommendation of ACMG/AMP guideline.

Ambry Genetics
Classification: Pathogenic for Inborn genetic diseases. Last evaluated: 2024-11-20. Review status: criteria provided, single submitter. Criteria: Ambry Variant Classification Scheme 2023. Collection method: clinical testing. Allele origin: germline. Not counted in ClinVar's aggregate classification.
Comment: The c.11+5G>A intronic alteration consists of a G to A substitution 5 nucleotides after coding exon 1 of the RPE65 gene. Based on data from gnomAD, the A allele has an overall frequency of 0.008% (22/282726) total alleles studied. The highest observed frequency was 0.016% (21/129112) of European (non-Finnish) alleles. This variant has been identified in the homozygous state and in conjunction with other RPE65 variant(s) in individual(s) with features consistent with RPE65-related retinopathy (Gu, 1997; Yzer, 2003; Astuti, 2016; Deng, 2022). This nucleotide position is highly conserved in available vertebrate species. RNA studies have demonstrated that this alteration results in abnormal splicing (Vazquez-Dominguez, 2022). In silico splice site analysis predicts that this alteration will result in the creation or strengthening of a novel splice donor site. Based on the available evidence, this alteration is classified as pathogenic.

Blueprint Genetics
Classification: Pathogenic for RPE65-related disorders. Last evaluated: 2024-09-30. Review status: criteria provided, single submitter. Criteria: ACMG Guidelines, 2015. Collection method: clinical testing. Allele origin: germline. Affected: yes. Observed: 5 variant alleles. Not counted in ClinVar's aggregate classification.

CeGaT Center for Human Genetics Tuebingen
Classification: Pathogenic. Last evaluated: 2024-06-01. Review status: criteria provided, single submitter. Criteria: CeGaT Center For Human Genetics Tuebingen Variant Classification Criteria Version 2. Collection method: clinical testing. Allele origin: germline. Affected: yes. Observed: 8 variant alleles. Not counted in ClinVar's aggregate classification.
Comment: RPE65: PM3:Very Strong, PM2, PS3:Moderate

Baylor Genetics
Classification: Pathogenic for Leber congenital amaurosis 2. Last evaluated: 2024-03-27. Review status: criteria provided, single submitter. Criteria: ACMG Guidelines, 2015. Collection method: clinical testing. Allele origin: unknown. Not counted in ClinVar's aggregate classification.

GeneDx
Classification: Pathogenic. Last evaluated: 2023-01-12. Review status: criteria provided, single submitter. Criteria: GeneDx Variant Classification Process June 2021. Collection method: clinical testing. Allele origin: germline. Affected: yes. Not counted in ClinVar's aggregate classification.
Comment: Published functional studies suggest that the variant causes a defect in RPE65 expression (Vazquez-Dominguez et al., 2022); This variant is associated with the following publications: (PMID: 11462243, 20683928, 23891399, 17964524, 32531858, 11786058, 19854499, 9326941, 20079931, 10766140, 25257057, 17525851, 21211845, 20811047, 18441370, 30268864, 31174678, 31736247, 32581362, 32865313, 12960219, 35121194, 34492281, 35129589, 34906171, 36429068, 29332120)

ARUP Laboratories, Molecular Genetics and Genomics, ARUP Laboratories
Classification: Pathogenic. Last evaluated: 2022-10-21. Review status: criteria provided, single submitter. Criteria: ARUP Molecular Germline Variant Investigation Process 2021. Collection method: clinical testing. Allele origin: germline. Not counted in ClinVar's aggregate classification.

Women's Health and Genetics/Laboratory Corporation of America, LabCorp
Classification: Pathogenic for Leber congenital amaurosis. Last evaluated: 2022-08-23. Review status: criteria provided, single submitter. Criteria: LabCorp Variant Classification Summary - May 2015. Collection method: clinical testing. Allele origin: germline. Not counted in ClinVar's aggregate classification.
Comment: Variant summary: RPE65 c.11+5G>A alters a conserved nucleotide located close to a canonical splice site and therefore could affect mRNA splicing, leading to a significantly altered protein sequence. Several computational tools predict a significant impact on normal splicing: Two predict the variant abolishes the canonical 5' splicing donor site. Two predict the variant weakens the canonical 5' splicing donor site. However, these predictions have yet to be confirmed by functional studies. The variant allele was found at a frequency of 7.6e-05 in 251324 control chromosomes. This frequency is not significantly higher than estimated for a pathogenic variant in RPE65 causing Leber Congenital Amaurosis (7.6e-05 vs 0.0014), allowing no conclusion about variant significance. c.11+5G>A has been reported in the literature in multiple individuals affected with Leber Congenital Amaurosis/Visual impairment/Retinopathies (example, Galvin_2005, Astuti_2016, Haer-Wigman_2017, Testa_2022). These data indicate that the variant is very likely to be associated with disease. To our knowledge, no experimental evidence demonstrating an impact on protein function has been reported. Twelve clinical diagnostic laboratories have submitted clinical-significance assessments for this variant to ClinVar after 2014 without evidence for independent evaluation. All laboratories classified the variant as pathogenic/likely pathogenic. Based on the evidence outlined above, the variant was classified as pathogenic.

Fulgent Genetics
Classification: Pathogenic for Leber congenital amaurosis 2; Retinitis pigmentosa 20; Retinitis pigmentosa 87 with choroidal involvement. Last evaluated: 2022-03-10. Review status: criteria provided, single submitter. Criteria: ACMG Guidelines, 2015. Collection method: clinical testing. Allele origin: unknown. Not counted in ClinVar's aggregate classification.

Revvity Omics, Revvity
Classification: Likely pathogenic. Last evaluated: 2021-06-12. Review status: criteria provided, single submitter. Criteria: ACMG Guidelines, 2015. Collection method: clinical testing. Allele origin: germline. Not counted in ClinVar's aggregate classification.

Ocular Genomics Institute, Massachusetts Eye and Ear
Classification: Pathogenic for Retinitis pigmentosa 20. Last evaluated: 2021-04-08. Review status: criteria provided, single submitter. Criteria: ACMG Guidelines, 2015. Collection method: research. Allele origin: germline. Affected: yes. Not counted in ClinVar's aggregate classification.
Comment: Through a review of available evidence we were able to apply the following criteria: PVS1, PM2, PM3, PP1-S, PP3, PM1. Based on this evidence we have classified this variant as Pathogenic.

Institute of Human Genetics, Univ. Regensburg, Univ. Regensburg
Classification: Likely pathogenic for Retinal dystrophy. Last evaluated: 2021-01-01. Review status: criteria provided, single submitter. Criteria: ACMG Guidelines, 2015. Collection method: clinical testing. Allele origin: germline. Affected: yes. Not counted in ClinVar's aggregate classification.

Institute of Medical Genetics and Applied Genomics, University Hospital Tübingen
Classification: Pathogenic. Last evaluated: 2020-10-23. Review status: criteria provided, single submitter. Criteria: ACMG Guidelines, 2015. Collection method: clinical testing. Allele origin: germline. Inheritance: Autosomal recessive inheritance. Affected: yes. Not counted in ClinVar's aggregate classification.

Centre for Mendelian Genomics, University Medical Centre Ljubljana
Classification: Likely pathogenic for Retinitis pigmentosa 20. Last evaluated: 2019-06-12. Review status: criteria provided, single submitter. Criteria: ACMG Guidelines, 2015. Collection method: clinical testing. Allele origin: unknown. Affected: yes. Not counted in ClinVar's aggregate classification.
Comment: This variant was classified as: Likely pathogenic. The following ACMG criteria were applied in classifying this variant: PS1,PM2,PM3,PP3.

Eurofins Ntd Llc (ga)
Classification: Pathogenic. Last evaluated: 2015-10-29. Review status: criteria provided, single submitter. Criteria: EGL Classification Definitions 2015. Collection method: clinical testing. Allele origin: germline. Observed: 2 variant alleles, 2 heterozygotes. Not counted in ClinVar's aggregate classification.

Joint Genome Diagnostic Labs from Nijmegen and Maastricht, Radboudumc and MUMC+
Classification: Likely pathogenic for Retinitis pigmentosa 20. Last evaluated: 2016-09-01. Review status: no assertion criteria provided. Collection method: clinical testing. Allele origin: inherited. Affected: yes. Observed: 1 variant allele. Not counted in ClinVar's aggregate classification.

NIHR Bioresource Rare Diseases, University of Cambridge
Classification: Likely pathogenic for Retinal dystrophy. Last evaluated: 2015-01-01. Review status: no assertion criteria provided. Collection method: research. Allele origin: unknown. Affected: yes. Observed: 1 variant allele. Not counted in ClinVar's aggregate classification.

OMIM
Classification: Pathogenic for RETINITIS PIGMENTOSA 20. Last evaluated: 2003-09-01. Review status: no assertion criteria provided. Collection method: literature only. Allele origin: germline. Not counted in ClinVar's aggregate classification.

OMIM
Classification: Pathogenic for LEBER CONGENITAL AMAUROSIS 2. Last evaluated: 2003-09-01. Review status: no assertion criteria provided. Collection method: literature only. Allele origin: germline. Not counted in ClinVar's aggregate classification.

Laboratory of Genetics in Ophthalmology, Institut Imagine
Classification: Pathogenic for Leber congenital amaurosis 2. Review status: no assertion criteria provided. Collection method: research. Allele origin: inherited. Affected: yes. Observed: 3 variant alleles. Not counted in ClinVar's aggregate classification.

Retina International
No classification provided. Review status: no classification provided. Collection method: not provided. Allele origin: not provided. Not counted in ClinVar's aggregate classification.

Literature cited by the submitters: PubMed 36429068 (cited by 3 submitters); PubMed 11786058 (cited by 5 submitters); PubMed 35001204 (cited by Variantyx, Inc. and Ambry Genetics); PubMed 9326941 (cited by 6 submitters); PubMed 11462243 (cited by Labcorp Genetics (formerly Invitae), Labcorp and Ocular Genomics Institute, Massachusetts Eye and Ear); PubMed 19854499 (cited by 4 submitters); PubMed 20683928 (cited by 3 submitters); PubMed 21211845 (cited by 3 submitters); PubMed 25257057 (cited by 4 submitters); PubMed 17576681 (cited by Labcorp Genetics (formerly Invitae), Labcorp); PubMed 9536098 (cited by Labcorp Genetics (formerly Invitae), Labcorp); PubMed 32531858 (cited by Natera, Inc. and Institute of Human Genetics, Univ. Regensburg, Univ. Regensburg); PubMed 22334370 (cited by Natera, Inc.); PubMed 20583297 (cited by Variantyx, Inc.); PubMed 20839240 (cited by Variantyx, Inc.); PubMed 23919265 (cited by Variantyx, Inc.); PubMed 28818389 (cited by Variantyx, Inc.); PubMed 30025081 (cited by 3billion); PubMed 35129589 (cited by 3billion and Women's Health and Genetics/Laboratory Corporation of America, LabCorp); PubMed 12960219 (cited by 3 submitters); PubMed 26626312 (cited by Ambry Genetics and Women's Health and Genetics/Laboratory Corporation of America, LabCorp); PubMed 28224992 (cited by Women's Health and Genetics/Laboratory Corporation of America, LabCorp); PubMed 16205573 (cited by Women's Health and Genetics/Laboratory Corporation of America, LabCorp); PubMed 28041643 (cited by Ocular Genomics Institute, Massachusetts Eye and Ear and NIHR Bioresource Rare Diseases, University of Cambridge); PubMed 17525851 (cited by Institute of Human Genetics, Univ. Regensburg, Univ. Regensburg); PubMed 30268864 (cited by Institute of Human Genetics, Univ. Regensburg, Univ. Regensburg); PubMed 29332120 (cited by Institute of Human Genetics, Univ. Regensburg, Univ. Regensburg); PubMed 31174678 (cited by Institute of Human Genetics, Univ. Regensburg, Univ. Regensburg); PubMed 31964843 (cited by Institute of Human Genetics, Univ. Regensburg, Univ. Regensburg); PubMed 32865313 (cited by Institute of Human Genetics, Univ. Regensburg, Univ. Regensburg); PubMed 32581362 (cited by Institute of Human Genetics, Univ. Regensburg, Univ. Regensburg); PubMed 31736247 (cited by Institute of Human Genetics, Univ. Regensburg, Univ. Regensburg); PubMed 34906171 (cited by Institute of Human Genetics, Univ. Regensburg, Univ. Regensburg); PubMed 34492281 (cited by Institute of Human Genetics, Univ. Regensburg, Univ. Regensburg); PubMed 35101781 (cited by Institute of Human Genetics, Univ. Regensburg, Univ. Regensburg); PubMed 36460718 (cited by Institute of Human Genetics, Univ. Regensburg, Univ. Regensburg); PubMed 36819107 (cited by Institute of Human Genetics, Univ. Regensburg, Univ. Regensburg).